The following is an entry in ClinVar:

NM_002907.4(RECQL):c.406G>A (p.Val136Ile)

Gene: RECQL (RecQ like helicase; minus strand). Cytogenetic location: 12p12.1.
Variant type: single nucleotide variant.
Coding change: c.406G>A on transcript NM_002907.4 (MANE Select); coding-DNA position 406, G replaced by A.
Protein change: p.Val136Ile; replaces valine 136 with isoleucine.
Molecular consequence: missense variant.
Genome position (GRCh38, 1-based): chr12:21,486,574, C>T on the plus strand (G>A on the coding strand, the complement: RECQL is on the minus strand). VCF-style: chr12-21486574-C-T. GRCh37 (hg19) VCF-style: chr12-21639508-C-T.
Other names: c.406G>A, p.Val136Ile (NM_032941.3); short protein forms V136I.
Identifiers: ClinVar variation 584820 (VCV000584820.19), dbSNP rs138278747, ClinGen allele CA6479082.

ClinVar aggregate classification (germline): Conflicting classifications of pathogenicity. Review status: criteria provided, conflicting classifications (1 of 4 stars). 6 submissions from 6 submitters: Uncertain significance (2); Likely benign (3). 1 of the submissions does not count toward it. Last evaluated 2025-07-21.

Conditions:
Hereditary cancer. Identifiers: MedGen C1333600.
RECQL-related disorder. Also called: RECQL-related condition.
RECON progeroid syndrome (RECON). Identifiers: MedGen C5830504, MONDO:0957266, OMIM 620370.

Allele frequency attached by ClinVar (database versions not stated): gnomAD 0.00051 and 0.00055; TOPMed 0.00054; 1000 Genomes Project 30x 0.00078; 1000 Genomes Project 0.00080; ESP Exome Variant Server 0.00085.
gnomAD v4.1: 153 of 1,555,656 alleles (0.0098%); highest among the groups gnomAD compares: African/African-American, 0.16%; no homozygotes.

Submissions (6):

Labcorp Genetics (formerly Invitae), Labcorp
Classification: Uncertain significance. Last evaluated: 2025-07-21. Review status: criteria provided, single submitter. Criteria: Invitae Variant Classification Sherloc (09022015). Collection method: clinical testing. Allele origin: germline.
Comment: This sequence change replaces valine, which is neutral and non-polar, with isoleucine, which is neutral and non-polar, at codon 136 of the RECQL protein (p.Val136Ile). This variant is present in population databases (rs138278747, gnomAD 0.2%), and has an allele count higher than expected for a pathogenic variant. This variant has not been reported in the literature in individuals affected with RECQL-related conditions. ClinVar contains an entry for this variant (Variation ID: 584820). Invitae Evidence Modeling of protein sequence and biophysical properties (such as structural, functional, and spatial information, amino acid conservation, physicochemical variation, residue mobility, and thermodynamic stability) indicates that this missense variant is not expected to disrupt RECQL protein function with a negative predictive value of 80%. In summary, the available evidence is currently insufficient to determine the role of this variant in disease. Therefore, it has been classified as a Variant of Uncertain Significance.

ARUP Laboratories, Molecular Genetics and Genomics, ARUP Laboratories
Classification: Uncertain significance for RECON progeroid syndrome. Last evaluated: 2024-02-15. Review status: criteria provided, single submitter. Criteria: ARUP Molecular Germline Variant Investigation Process 2024. Collection method: clinical testing. Allele origin: germline.
Comment: The RECQL c.406G>A; p.Val136Ile variant (rs138278747) is reported in the literature in one individual affected with breast cancer but without clear disease association (Guindalini 2022). This variant is reported in ClinVar (Variation ID: 584820) and is found in the African/African-American population with an allele frequency of 0.18% (43/23454 alleles) in the Genome Aggregation Database (v2.1.1). Computational analyses are uncertain whether this variant is neutral or deleterious (REVEL: 0.294). Due to limited information, the clinical significance of this variant is uncertain at this time. References: Guindalini RSC et al. Detection of germline variants in Brazilian breast cancer patients using multigene panel testing. Sci Rep. 2022 Mar 9;12(1):4190. PMID: 35264596.

Mendelics
Classification: Likely benign for Hereditary cancer. Last evaluated: 2024-01-23. Review status: criteria provided, single submitter. Criteria: ACMG Guidelines, 2015. Collection method: clinical testing. Allele origin: unknown.

GeneDx
Classification: Likely benign. Last evaluated: 2021-01-05. Review status: criteria provided, single submitter. Criteria: GeneDx Variant Classification Process June 2021. Collection method: clinical testing. Allele origin: germline. Affected: yes.
Comment: In silico analysis supports that this missense variant does not alter protein structure/function; Has not been previously published as pathogenic or benign to our knowledge

Ambry Genetics
Classification: Likely benign. Last evaluated: 2020-08-26. Review status: criteria provided, single submitter. Criteria: Ambry Variant Classification Scheme 2023. Collection method: clinical testing. Allele origin: germline.

PreventionGenetics, part of Exact Sciences
Classification: Uncertain significance for RECQL-related condition. Last evaluated: 2023-11-19. Review status: no assertion criteria provided. Collection method: clinical testing. Allele origin: germline. Not counted in ClinVar's aggregate classification.
Comment: The RECQL c.406G>A variant is predicted to result in the amino acid substitution p.Val136Ile. This variant was reported in an individual with breast cancer (Table S3, Guindalini. 2022. PubMed ID: 35264596). This variant is reported in 0.18% of alleles in individuals of African descent in gnomAD, and has conflicting interpretations of likely benign and uncertain in ClinVar. Although we suspect this variant may be benign, at this time, the clinical significance of this variant is uncertain due to the absence of conclusive functional and genetic evidence.